The following is an entry in ClinVar:

NM_021008.4(DEAF1):c.802C>T (p.Gln268Ter)

Gene: DEAF1 (DEAF1 transcription factor; minus strand). Cytogenetic location: 11p15.5.
Variant type: single nucleotide variant.
Coding change: c.802C>T on transcript NM_021008.4 (MANE Select); coding-DNA position 802, C replaced by T.
Protein change: p.Gln268Ter; replaces glutamine 268 with a stop codon.
Molecular consequence: nonsense. On other transcripts: intron variant (1).
Genome position (GRCh38, 1-based): chr11:686,860, G>A on the plus strand (C>T on the coding strand, the complement: DEAF1 is on the minus strand). VCF-style: chr11-686860-G-A. GRCh37 (hg19) VCF-style: chr11-686860-G-A.
Other names: c.76C>T, p.Gln26Ter (NM_001440886.1, NM_001440887.1, NM_001367390.1 and 1 more transcripts); c.664+1051C>T (NM_001293634.2); c.802C>T, p.Gln268Ter (NM_001440883.1, NM_001440884.1); short protein forms Q26*, Q268*.
Identifiers: ClinVar variation 1304092 (VCV001304092.2), dbSNP rs2133402069, ClinGen allele CA378931728.

ClinVar aggregate classification (germline): Uncertain significance (1 of 4 stars; one submission).

Submission:

GeneDx
Classification: Uncertain significance. Last evaluated: 2019-10-30. Review status: criteria provided, single submitter. Criteria: GeneDx Variant Classification Process June 2021. Collection method: clinical testing. Allele origin: germline. Affected: yes.
Comment: Not observed in large population cohorts (Lek et al., 2016); Nonsense variant predicted to result in protein truncation or nonsense mediated decay in a gene for which loss-of-function is not a known mechanism of disease; Has not been previously published as pathogenic or benign to our knowledge